The following is an entry in ClinVar:

NM_001920.5(DCN):c.*160C>T

Gene: DCN (decorin; minus strand). Cytogenetic location: 12q21.33.
Variant type: single nucleotide variant.
Coding change: c.*160C>T on transcript NM_001920.5 (MANE Select); 160 bases downstream of the stop codon, C replaced by T.
Molecular consequence: 3 prime UTR variant.
Genome position (GRCh38, 1-based): chr12:91,145,898, G>A on the plus strand (C>T on the coding strand, the complement: DCN is on the minus strand). VCF-style: chr12-91145898-G-A. GRCh37 (hg19) VCF-style: chr12-91539675-G-A.
Other names: c.*160C>T (NM_133503.4, NM_133504.3, NM_133505.3 and 1 more transcripts); c.*338C>T (NM_133507.3).
Identifiers: ClinVar variation 310647 (VCV000310647.6), dbSNP rs7441, ClinGen allele CA10633709.

ClinVar aggregate classification (germline): Benign. Review status: criteria provided, multiple submitters, no conflicts (2 of 4 stars). 2 submissions from 2 submitters: Benign (2). Last evaluated 2018-01-13.

Conditions:
Congenital stromal corneal dystrophy (CSCD). Identifiers: Orphanet 101068, MedGen C1864738, MONDO:0012401, OMIM 610048.

Allele frequency attached by ClinVar (database versions not stated): 1000 Genomes Project 30x 0.08713; 1000 Genomes Project 0.08766; TOPMed 0.10295.
gnomAD v4.1: 48,233 of 630,010 alleles (7.7%); highest among the groups gnomAD compares: African/African-American, 17%; 2,294 homozygotes.

Submissions (2):

Illumina Laboratory Services, Illumina
Classification: Benign for Congenital stromal corneal dystrophy. Last evaluated: 2018-01-13. Review status: criteria provided, single submitter. Criteria: ICSL Variant Classification Criteria 13 December 2019. Collection method: clinical testing. Allele origin: germline.
Comment: This variant was observed in the ICSL laboratory as part of a predisposition screen in an ostensibly healthy population. It had not been previously curated by ICSL or reported in the Human Gene Mutation Database (HGMD: prior to June 1st, 2018), and was therefore a candidate for classification through an automated scoring system. Utilizing variant allele frequency, disease prevalence and penetrance estimates, and inheritance mode, an automated score was calculated to assess if this variant is too frequent to cause the disease. Based on the score and internal cut-off values, a variant classified as benign is not then subjected to further curation. The score for this variant resulted in a classification of benign for this disease.

Breakthrough Genomics
Classification: Benign. Review status: criteria provided, single submitter. Criteria: ACMG Guidelines, 2015. Collection method: not provided. Allele origin: germline. Inheritance: Autosomal dominant inheritance. Affected: yes.